The following is an entry in ClinVar:

NM_003900.5(SQSTM1):c.1230C>T (p.Gly410=)

Gene: SQSTM1 (sequestosome 1; plus strand). Cytogenetic location: 5q35.3.
Variant type: single nucleotide variant.
Coding change: c.1230C>T on transcript NM_003900.5 (MANE Select); coding-DNA position 1230, C replaced by T.
Protein change: p.Gly410=; no amino-acid change (glycine 410 retained).
Molecular consequence: synonymous variant.
Genome position (GRCh38, 1-based): chr5:179,836,500, C>T. VCF-style: chr5-179836500-C-T. GRCh37 (hg19) VCF-style: chr5-179263500-C-T.
Other names: c.978C>T, p.Gly326= (NM_001142298.2, NM_001142299.2).
Identifiers: ClinVar variation 385765 (VCV000385765.36), dbSNP rs766437927, ClinGen allele CA3600866.

ClinVar aggregate classification (germline): Likely benign. Review status: criteria provided, multiple submitters, no conflicts (2 of 4 stars). 3 submissions from 3 submitters: Likely benign (3). Last evaluated 2026-07-01.

Conditions:
Paget disease of bone 2, early-onset (PDB2). Also called: Paget disease of bone 2. Identifiers: MedGen C4085251, MONDO:0011183, OMIM 602080.
Frontotemporal dementia and/or amyotrophic lateral sclerosis 1 (FTDALS1). Also called: C9orf72 Frontotemporal Dementia and/or Amyotrophic Lateral Sclerosis; Frontotemporal dementia with motor neuron disease 1. Identifiers: Orphanet 275872, MedGen C5779877, MONDO:0007105, OMIM 105550.

Allele frequency attached by ClinVar (database versions not stated): gnomAD 0.00001; TOPMed 0.00005; gnomAD exomes 0.00006 and 0.00008; ExAC 0.00007.
gnomAD v4.1: 87 of 1,614,064 alleles (0.0054%); highest among the groups gnomAD compares: Admixed American, 0.01%; no homozygotes.

Submissions (3):

CeGaT Center for Human Genetics Tuebingen
Classification: Likely benign. Last evaluated: 2026-07-01. Review status: criteria provided, single submitter. Criteria: CeGaT Center For Human Genetics Tuebingen Variant Classification Criteria Version 2. Collection method: clinical testing. Allele origin: germline. Affected: yes. Observed: 3 variant alleles.
Comment: SQSTM1: BP4, BP7

Labcorp Genetics (formerly Invitae), Labcorp
Classification: Likely benign for Paget disease of bone 2, early-onset; Frontotemporal dementia and/or amyotrophic lateral sclerosis 1. Last evaluated: 2026-01-12. Review status: criteria provided, single submitter. Criteria: Invitae Variant Classification Sherloc (09022015). Collection method: clinical testing. Allele origin: germline.

GeneDx
Classification: Likely benign. Last evaluated: 2016-04-19. Review status: criteria provided, single submitter. Criteria: GeneDx Variant Classification (06012015). Collection method: clinical testing. Allele origin: germline. Affected: yes.
Comment: This variant is considered likely benign or benign based on one or more of the following criteria: it is a conservative change, it occurs at a poorly conserved position in the protein, it is predicted to be benign by multiple in silico algorithms, and/or has population frequency not consistent with disease.